The following is an entry in ClinVar:

NM_000289.6(PFKM):c.516C>T (p.Thr172=)

Gene: PFKM (phosphofructokinase, muscle; plus strand). Cytogenetic location: 12q13.11.
Variant type: single nucleotide variant.
Coding change: c.516C>T on transcript NM_000289.6 (MANE Select); coding-DNA position 516, C replaced by T.
Protein change: p.Thr172=; no amino-acid change (threonine 172 retained).
Molecular consequence: synonymous variant. On other transcripts: non-coding transcript variant (6).
Genome position (GRCh38, 1-based): chr12:48,133,403, C>T. VCF-style: chr12-48133403-C-T. GRCh37 (hg19) VCF-style: chr12-48527186-C-T.
Other names: c.729C>T, p.Thr243= (NM_001166686.2, NM_001354737.1, NM_001354738.1 and 1 more transcripts); c.516C>T, p.Thr172= (NM_001166687.2, NM_001166688.2, NM_001354742.2 and 4 more transcripts); c.825C>T, p.Thr275= (NM_001354735.1, NM_001354736.1); c.660C>T, p.Thr220= (NM_001354740.1); c.540C>T, p.Thr180= (NM_001354741.2); c.429C>T, p.Thr143= (NM_001354745.2); c.366C>T, p.Thr122= (NM_001354747.2, NM_001354748.2).
Identifiers: ClinVar variation 255763 (VCV000255763.33), dbSNP rs1049392, ClinGen allele CA6537017.

ClinVar aggregate classification (germline): Benign. Review status: criteria provided, multiple submitters, no conflicts (2 of 4 stars). 9 submissions from 9 submitters: Benign (7). 2 of the submissions do not count toward it. Last evaluated 2026-02-04.

Conditions:
Glycogen storage disease, type VII (GSD7). Also called: MUSCLE PHOSPHOFRUCTOKINASE DEFICIENCY; PFKM DEFICIENCY; TARUI DISEASE; GSD VII. Identifiers: Orphanet 371, MedGen C0017926, MONDO:0009295, OMIM 232800.

Allele frequency attached by ClinVar (database versions not stated): gnomAD exomes 0.14018 and 0.14207; ExAC 0.14854; gnomAD 0.18568 and 0.18973; 1000 Genomes Project 0.18790; TOPMed 0.19155; 1000 Genomes Project 30x 0.19300; ESP Exome Variant Server 0.19722.
gnomAD v4.1: 233,562 of 1,613,364 alleles (14%); highest among the groups gnomAD compares: African/African-American, 32%; 18,925 homozygotes.

Submissions (9):

Labcorp Genetics (formerly Invitae), Labcorp
Classification: Benign for Glycogen storage disease, type VII. Last evaluated: 2026-02-04. Review status: criteria provided, single submitter. Criteria: Invitae Variant Classification Sherloc (09022015). Collection method: clinical testing. Allele origin: germline.

ARUP Laboratories, Molecular Genetics and Genomics, ARUP Laboratories
Classification: Benign for Glycogen storage disease, type VII. Last evaluated: 2025-07-31. Review status: criteria provided, single submitter. Criteria: ARUP Molecular Germline Variant Investigation Process 2024. Collection method: clinical testing. Allele origin: germline.

Pars Genome Lab
Classification: Benign for Glycogen storage disease, type VII. Last evaluated: 2021-07-01. Review status: criteria provided, single submitter. Criteria: ACMG Guidelines, 2015. Collection method: clinical testing. Allele origin: germline. Affected: no.

Illumina Laboratory Services, Illumina
Classification: Benign for Glycogen storage disease, type VII. Last evaluated: 2018-01-13. Review status: criteria provided, single submitter. Criteria: ICSL Variant Classification Criteria 13 December 2019. Collection method: clinical testing. Allele origin: germline.
Comment: This variant was observed in the ICSL laboratory as part of a predisposition screen in an ostensibly healthy population. It had not been previously curated by ICSL or reported in the Human Gene Mutation Database (HGMD: prior to June 1st, 2018), and was therefore a candidate for classification through an automated scoring system. Utilizing variant allele frequency, disease prevalence and penetrance estimates, and inheritance mode, an automated score was calculated to assess if this variant is too frequent to cause the disease. Based on the score and internal cut-off values, a variant classified as benign is not then subjected to further curation. The score for this variant resulted in a classification of benign for this disease.

GeneDx
Classification: Benign. Last evaluated: 2015-12-17. Review status: criteria provided, single submitter. Criteria: GeneDx Variant Classification (06012015). Collection method: clinical testing. Allele origin: germline. Affected: yes.
Comment: This variant is considered likely benign or benign based on one or more of the following criteria: it is a conservative change, it occurs at a poorly conserved position in the protein, it is predicted to be benign by multiple in silico algorithms, and/or has population frequency not consistent with disease.

Breakthrough Genomics
Classification: Benign. Review status: criteria provided, single submitter. Criteria: ACMG Guidelines, 2015. Collection method: not provided. Allele origin: germline. Inheritance: Autosomal recessive inheritance. Affected: yes.

PreventionGenetics, part of Exact Sciences
Classification: Benign. Review status: criteria provided, single submitter. Criteria: ACMG Guidelines, 2015. Collection method: clinical testing. Allele origin: germline.

Natera, Inc.
Classification: Benign for Glycogen storage disease type VII. Last evaluated: 2020-09-16. Review status: no assertion criteria provided. Collection method: clinical testing. Allele origin: germline. Not counted in ClinVar's aggregate classification.

Mayo Clinic Laboratories, Mayo Clinic
Classification: Benign. Last evaluated: 2015-10-21. Review status: no assertion criteria provided. Collection method: clinical testing. Allele origin: unknown. Not counted in ClinVar's aggregate classification.